The following is an entry in ClinVar:

NM_001267550.2(TTN):c.47884del (p.Thr15962fs)

Genes: TTN (titin; minus strand), TTN-AS1 (TTN antisense RNA 1; plus strand). Cytogenetic location: 2q31.2.
Variant type: Deletion.
Coding change: c.47884del on transcript NM_001267550.2 (MANE Select); coding-DNA position 47884, one base deleted (A; older notation c.47884delA).
Protein change: p.Thr15962fs; shifts the reading frame from threonine 15962.
Molecular consequence: frameshift variant.
Genome position (GRCh38, 1-based): chr2:178,617,005, T deleted on the plus strand (A on the coding strand, the reverse complement: TTN is on the minus strand); the first of 2 consecutive T bases (chr2:178,617,005-178,617,006); deleting either gives the same sequence. VCF-style (leftmost placement, unchanged base first): chr2-178617004-GT-G. GRCh37 (hg19) VCF-style: chr2-179481731-GT-G.
Other names: c.42961del, p.Thr14321fs (NM_001256850.1); c.20689del, p.Thr6897fs (NM_003319.4); c.40180del, p.Thr13394fs (NM_133378.4); c.21064del, p.Thr7022fs (NM_133432.3); c.21265del, p.Thr7089fs (NM_133437.4); short protein forms T14321fs, T15962fs, T13394fs, T7022fs, T6897fs, T7089fs.
Identifiers: ClinVar variation 4786779 (VCV004786779.1).

ClinVar aggregate classification (germline): Likely pathogenic (1 of 4 stars; one submission).

Conditions:
Autosomal recessive limb-girdle muscular dystrophy type 2J (LGMDR10). Also called: Limb-girdle muscular dystrophy, type 2J; MUSCULAR DYSTROPHY, LIMB-GIRDLE, AUTOSOMAL RECESSIVE 10. Identifiers: Orphanet 140922, MedGen C1837342, MONDO:0012127, OMIM 608807.
Dilated cardiomyopathy 1G (CMD1G). Identifiers: Orphanet 154, MedGen C1858763, MONDO:0011400, OMIM 604145.

Submission:

Labcorp Genetics (formerly Invitae), Labcorp
Classification: Likely pathogenic for Dilated cardiomyopathy 1G; Autosomal recessive limb-girdle muscular dystrophy type 2J. Last evaluated: 2025-11-23. Review status: criteria provided, single submitter. Criteria: Invitae Variant Classification Sherloc (09022015). Collection method: clinical testing. Allele origin: germline.
Comment: This sequence change creates a premature translational stop signal (p.Thr15962Glnfs*4) in the TTN gene. While this is not anticipated to result in nonsense mediated decay, it is expected to create a truncated TTN protein. This variant is not present in population databases (gnomAD no frequency). This variant has not been reported in the literature in individuals affected with TTN-related conditions. This variant is located in the A band of TTN (PMID: 25589632). Truncating variants in this region are significantly overrepresented in patients affected with dilated cardiomyopathy (PMID: 25589632). Truncating variants in this region have also been reported in individuals affected with autosomal recessive centronuclear myopathy (PMID: 23975875). In summary, the currently available evidence indicates that the variant is pathogenic, but additional data are needed to prove that conclusively. Therefore, this variant has been classified as Likely Pathogenic.

Literature cited by the submitters: PubMed 25589632; PubMed 23975875.